The following is an entry in ClinVar:

NM_001278116.2(L1CAM):c.3774G>C (p.Ter1258Tyr)

Gene: L1CAM (L1 cell adhesion molecule; minus strand). Cytogenetic location: Xq28.
Variant type: single nucleotide variant.
Coding change: c.3774G>C on transcript NM_001278116.2 (MANE Select); coding-DNA position 3774, G replaced by C.
Protein change: p.Ter1258Tyr.
Molecular consequence: stop lost.
Genome position (GRCh38, 1-based): chrX:153,862,663, C>G on the plus strand (G>C on the coding strand, the complement: L1CAM is on the minus strand). VCF-style: chrX-153862663-C-G. GRCh37 (hg19) VCF-style: chrX-153128118-C-G.
Other names: *1258Y; *1249Y; *1254Y; c.3774G>C, p.Ter1258Tyr (NM_000425.5); c.3747G>C, p.Ter1249Tyr (NM_001143963.2); c.3762G>C, p.Ter1254Tyr (NM_024003.3).
Identifiers: ClinVar variation 449970 (VCV000449970.3), dbSNP rs782235888, ClinGen allele CA415105568.

ClinVar aggregate classification (germline): Conflicting classifications of pathogenicity. Review status: criteria provided, conflicting classifications (1 of 4 stars). 2 submissions from 2 submitters: Likely pathogenic (1); Uncertain significance (1). Last evaluated 2017-12-06.

Conditions:
X-linked complicated corpus callosum dysgenesis. Also called: X-Linked Complicated Corpus Callosum Agenesis. Identifiers: Orphanet 1497, MedGen C1839909, MONDO:0010569, OMIM 304100.
X-linked hydrocephalus syndrome (HYCX). Also called: X-Linked Hydrocephalus with Stenosis of the Aqueduct of Sylvius (HSAS); AQUEDUCTAL STENOSIS, X-LINKED; X-Linked Hydrocephalus with Stenosis of the Aqueduct of Sylvius; X-linked hydrocephalus; HYDROCEPHALUS, CONGENITAL, X-LINKED. Identifiers: Orphanet 2182, MedGen C0265216, MONDO:0010611, OMIM 307000.
MASA syndrome. Also called: GAREIS-MASON SYNDROME; MENTAL RETARDATION, APHASIA, SHUFFLING GAIT, AND ADDUCTED THUMBS; ADDUCTED THUMB WITH MENTAL RETARDATION; MASA (Mental Retardation, Adducted Thumbs, Shuffling Gait, Aphasia) Syndrome, Including SPG1 (X-Linked Complicated Hereditary Spastic Paraplegia Type 1); CRASH syndrome; CLASPED THUMB AND MENTAL RETARDATION. Identifiers: Orphanet 2466, MedGen C0795953, MONDO:0010559, OMIM 303350.

Submissions (2):

GeneDx
Classification: Likely pathogenic. Last evaluated: 2017-12-06. Review status: criteria provided, single submitter. Criteria: GeneDx Variant Classification (06012015). Collection method: clinical testing. Allele origin: germline. Affected: yes.
Comment: The c.3774 G>C variant has not been published as a pathogenic variant, nor has it been reported as a benign variant to our knowledge. The variant is not observed in large population cohorts (Lek et al., 2016; 1000 Genomes Consortium et al., 2015; Exome Variant Server). The c.3774 G>C missense variant alters the stop codon at position 1258, changing it to a Tyrosine and extending the protein's C-terminus, with a new stop codon at position 264, denoted p.X1258TyrextX264. This variant is predicted to cause protein extension by adding 264 incorrect amino acids.

Juno Genomics, Hangzhou Juno Genomics, Inc
Classification: Uncertain significance for X-linked complicated corpus callosum dysgenesis; X-linked hydrocephalus syndrome; MASA syndrome. Review status: criteria provided, single submitter. Criteria: ACMG Guidelines, 2015. Collection method: clinical testing. Allele origin: germline. Affected: yes.
Comment: Absent from controls (or at extremely low frequency if recessive) in Genome Aggregation Database, Exome Sequencing Project, 1000 Genomes Project, or Exome Aggregation Consortium.;Protein length changes due to in-frame deletions/insertions in a non-repeat region or stop-loss variants.;Patient's phenotype or family history is highly specific for a disease with a single genetic etiology.